The following is an entry in ClinVar:

ClinVar aggregate classification (germline): Uncertain significance (1 of 4 stars; one submission).

Allele frequency attached by ClinVar (database versions not stated): TOPMed below 0.00001.

Submission:

Labcorp Genetics (formerly Invitae), Labcorp
Classification: Uncertain significance. Last evaluated: 2024-10-24. Review status: criteria provided, single submitter. Criteria: Invitae Variant Classification Sherloc (09022015). Collection method: clinical testing. Allele origin: germline.
Comment: This sequence change replaces asparagine, which is neutral and polar, with serine, which is neutral and polar, at codon 235 of the ARHGEF1 protein (p.Asn235Ser). This variant is not present in population databases (gnomAD no frequency). This variant has not been reported in the literature in individuals affected with ARHGEF1-related conditions. ClinVar contains an entry for this variant (Variation ID: 2116040). An algorithm developed to predict the effect of missense changes on protein structure and function outputs the following: PolyPhen-2: "Benign". The serine amino acid residue is found in multiple mammalian species, which suggests that this missense change does not adversely affect protein function. In summary, the available evidence is currently insufficient to determine the role of this variant in disease. Therefore, it has been classified as a Variant of Uncertain Significance.

NM_004706.4(ARHGEF1):c.659A>G (p.Asn220Ser)

Gene: ARHGEF1 (Rho guanine nucleotide exchange factor 1; plus strand). Cytogenetic location: 19q13.2.
Variant type: single nucleotide variant.
Coding change: c.659A>G on transcript NM_004706.4 (MANE Select); coding-DNA position 659, A replaced by G.
Protein change: p.Asn220Ser; replaces asparagine 220 with serine.
Molecular consequence: missense variant. On other transcripts: non-coding transcript variant (2).
Genome position (GRCh38, 1-based): chr19:41,894,221, A>G. VCF-style: chr19-41894221-A-G. GRCh37 (hg19) VCF-style: chr19-42398294-A-G.
Other names: c.659A>G, p.Asn220Ser (NM_001396000.1, NM_001396003.1, NM_001396006.1); c.560A>G, p.Asn187Ser (NM_001396002.1, NM_001396004.1, NM_198977.2); c.704A>G, p.Asn235Ser (NM_199002.2); short protein forms N220S, N235S, N187S.
Identifiers: ClinVar variation 2116040 (VCV002116040.4), dbSNP rs2074438600, ClinGen allele CA406051363.